The following is an entry in ClinVar:

NM_006005.3(WFS1):c.2266C>T (p.Arg756Cys)

Gene: WFS1 (wolframin ER transmembrane glycoprotein; plus strand). Cytogenetic location: 4p16.1.
Variant type: single nucleotide variant.
Coding change: c.2266C>T on transcript NM_006005.3 (MANE Select); coding-DNA position 2266, C replaced by T.
Protein change: p.Arg756Cys; replaces arginine 756 with cysteine.
Molecular consequence: missense variant.
Genome position (GRCh38, 1-based): chr4:6,302,061, C>T. VCF-style: chr4-6302061-C-T. GRCh37 (hg19) VCF-style: chr4-6303788-C-T.
Other names: c.2266C>T, p.Arg756Cys (NM_001145853.1); short protein forms R756C.
Identifiers: ClinVar variation 1695517 (VCV001695517.12), dbSNP rs138127684, ClinGen allele CA2839665.

ClinVar aggregate classification (germline): Uncertain significance. Review status: criteria provided, multiple submitters, no conflicts (2 of 4 stars). 5 submissions from 5 submitters: Uncertain significance (5). Last evaluated 2026-01-21.

Conditions:
Autosomal dominant nonsyndromic hearing loss 6 (LFSNHL). Also called: DEAFNESS, AUTOSOMAL DOMINANT 14; DEAFNESS, AUTOSOMAL DOMINANT 38; Autosomal dominant nonsyndromic deafness 6; DEAFNESS, AUTOSOMAL DOMINANT 6. Identifiers: Orphanet 90635, MedGen C1833021, MONDO:0010963, OMIM 600965.
Type 2 diabetes mellitus. Also called: Type II diabetes mellitus. Identifiers: MedGen C0011860, MeSH D003924, MONDO:0005148, OMIM 125853, HP:0005978.
Cataract 41 (CTRCT41). Also called: CATARACT 41, CONGENITAL NUCLEAR TYPE. Identifiers: Orphanet 91492, Orphanet 98991, Orphanet 98992, Orphanet 98995, MedGen C3805412, MONDO:0007287, OMIM 116400.
Wolfram syndrome 1 (WFS1). Identifiers: Orphanet 3463, MedGen C4551693, MONDO:0009101, OMIM 222300.
Wolfram-like syndrome. Also called: HEARING LOSS, PROGRESSIVE, WITH OPTIC ATROPHY AND/OR IMPAIRED GLUCOSE REGULATION. Identifiers: Orphanet 411590, MedGen C3280358, MONDO:0013673, OMIM 614296.

Allele frequency attached by ClinVar (database versions not stated): TOPMed 0.00006; ESP Exome Variant Server 0.00008; gnomAD exomes 0.00019; gnomAD 0.00020 and 0.00022; ExAC 0.00024.
gnomAD v4.1: 297 of 1,612,774 alleles (0.018%); highest among the groups gnomAD compares: Non-Finnish European, 0.014%; 1 homozygote.

Submissions (5):

Labcorp Genetics (formerly Invitae), Labcorp
Classification: Uncertain significance. Last evaluated: 2026-01-21. Review status: criteria provided, single submitter. Criteria: Invitae Variant Classification Sherloc (09022015). Collection method: clinical testing. Allele origin: germline.
Comment: This sequence change replaces arginine, which is basic and polar, with cysteine, which is neutral and slightly polar, at codon 756 of the WFS1 protein (p.Arg756Cys). This variant is present in population databases (rs138127684, gnomAD 0.1%). This missense change has been observed in individual(s) with deafness (PMID: 23595122). ClinVar contains an entry for this variant (Variation ID: 1695517). Invitae Evidence Modeling of protein sequence and biophysical properties (such as structural, functional, and spatial information, amino acid conservation, physicochemical variation, residue mobility, and thermodynamic stability) indicates that this missense variant is expected to disrupt WFS1 protein function with a positive predictive value of 95%. In summary, the available evidence is currently insufficient to determine the role of this variant in disease. Therefore, it has been classified as a Variant of Uncertain Significance.

Fulgent Genetics
Classification: Uncertain significance for Cataract 41; Type 2 diabetes mellitus; Wolfram syndrome 1; Autosomal dominant nonsyndromic hearing loss 6; Wolfram-like syndrome. Last evaluated: 2024-05-28. Review status: criteria provided, single submitter. Criteria: ACMG Guidelines, 2015. Collection method: clinical testing. Allele origin: germline.

Blueprint Genetics
Classification: Uncertain significance. Last evaluated: 2024-05-10. Review status: criteria provided, single submitter. Criteria: ACMG Guidelines, 2015. Collection method: clinical testing. Allele origin: germline.

GeneDx
Classification: Uncertain significance. Last evaluated: 2024-05-07. Review status: criteria provided, single submitter. Criteria: GeneDx Variant Classification Process June 2021. Collection method: clinical testing. Allele origin: germline. Affected: yes.
Comment: In silico analysis supports that this missense variant has a deleterious effect on protein structure/function; This variant is associated with the following publications: (PMID: 11709537, 23595122)

New York Genome Center
Classification: Uncertain significance for Type 2 diabetes mellitus. Last evaluated: 2022-04-08. Review status: criteria provided, single submitter. Criteria: NYGC Assertion Criteria 2020. Collection method: clinical testing. Allele origin: germline. Observed: 2 heterozygotes. Clinical features observed: Type 2 diabetes mellitus (HP:0005978), Hepatic steatosis (HP:0001397).
Comment: The c.2266C>T (p.Arg756Cys) missense variant identified in WFS1 has been reported in individuals affected with sensorineural hearing impairment [PMID:11709537, 23595122]. The variant has a 0.00019704 allele frequency in the gnomAD(v3) database (30 out of 152258 heterozygous alleles, no homozygotes), and 0.000060448 allele frequency in the TOPMed Freeze 8 database (16 out of 132,345 heterozygous alleles, no homozygotes). This variant replaces highly conserved arginine residue [Arg756] and is predicted deleterious by multiple in silico tools (CADD score = 33, REVEL score = 0.772). Based on the available evidence, the c.2266C>T (p.Arg756Cys) missense variant identified in the WFS1 gene is reported as a Variant of Uncertain Significance.

Literature cited by the submitters: PubMed 23595122 (cited by Labcorp Genetics (formerly Invitae), Labcorp).